The following is an entry in ClinVar:

NM_001260.3(CDK8):c.1261G>C (p.Asp421His)

Gene: CDK8 (cyclin dependent kinase 8; plus strand). Cytogenetic location: 13q12.13.
Variant type: single nucleotide variant.
Coding change: c.1261G>C on transcript NM_001260.3 (MANE Select); coding-DNA position 1261, G replaced by C.
Protein change: p.Asp421His; replaces aspartic acid 421 with histidine.
Molecular consequence: missense variant.
Genome position (GRCh38, 1-based): chr13:26,401,616, G>C. VCF-style: chr13-26401616-G-C. GRCh37 (hg19) VCF-style: chr13-26975753-G-C.
Other names: c.1258G>C, p.Asp420His (NM_001318368.2); c.742G>C, p.Asp248His (NM_001346501.2); short protein forms D248H, D420H, D421H.
Identifiers: ClinVar variation 2431811 (VCV002431811.1), dbSNP rs2138075822, ClinGen allele CA387686473.

ClinVar aggregate classification (germline): Uncertain significance (1 of 4 stars; one submission).

Conditions:
Intellectual developmental disorder with hypotonia and behavioral abnormalities. Identifiers: MedGen C5231489, MONDO:0032897, OMIM 618748.

Submission:

Laboratorio de Genetica e Diagnostico Molecular, Hospital Israelita Albert Einstein
Classification: Uncertain significance for Intellectual developmental disorder with hypotonia and behavioral abnormalities. Last evaluated: 2022-10-29. Review status: criteria provided, single submitter. Criteria: ACMG Guidelines, 2015. Collection method: clinical testing. Allele origin: germline. Affected: yes. Observed: 1 variant allele.
Comment: ACMG classification criteria: PM2 moderated, PP2 supporting, BP4 supporting